The following is an entry in ClinVar:

NM_003560.4(PLA2G6):c.379G>A (p.Val127Met)

Gene: PLA2G6 (phospholipase A2 group VI; minus strand). Cytogenetic location: 22q13.1.
Variant type: single nucleotide variant.
Coding change: c.379G>A on transcript NM_003560.4 (MANE Select); coding-DNA position 379, G replaced by A.
Protein change: p.Val127Met; replaces valine 127 with methionine.
Molecular consequence: missense variant. On other transcripts: 5 prime UTR variant (3).
Genome position (GRCh38, 1-based): chr22:38,145,484, C>T on the plus strand (G>A on the coding strand, the complement: PLA2G6 is on the minus strand). VCF-style: chr22-38145484-C-T. GRCh37 (hg19) VCF-style: chr22-38541491-C-T.
Other names: c.379G>A, p.Val127Met (NM_001004426.3, NM_001199562.3, NM_001349864.2 and 2 more transcripts); c.-156G>A (NM_001349867.2, NM_001349869.2); c.-112G>A (NM_001349868.2); short protein forms V127M.
Identifiers: ClinVar variation 2583004 (VCV002583004.25), dbSNP rs2518068143, ClinGen allele CA411532169.

ClinVar aggregate classification (germline): Uncertain significance (1 of 4 stars; one submission).

Submission:

CeGaT Center for Human Genetics Tuebingen
Classification: Uncertain significance. Last evaluated: 2024-07-01. Review status: criteria provided, single submitter. Criteria: CeGaT Center For Human Genetics Tuebingen Variant Classification Criteria Version 2. Collection method: clinical testing. Allele origin: germline. Affected: yes. Observed: 2 variant alleles.
Comment: PLA2G6: PM2, BP4